The following is an entry in ClinVar:

ClinVar aggregate classification (germline): Uncertain significance (1 of 4 stars; one submission).

Conditions:
Hereditary cancer-predisposing syndrome. Also called: Tumor predisposition; Hereditary Cancer Syndrome; Neoplastic Syndromes, Hereditary; Hereditary neoplastic syndrome. Identifiers: Orphanet 140162, MedGen C0027672, MeSH D009386, MONDO:0015356.

Submission:

Ambry Genetics
Classification: Uncertain significance for Hereditary cancer-predisposing syndrome. Last evaluated: 2018-07-25. Review status: criteria provided, single submitter. Criteria: Ambry Variant Classification Scheme 2023. Collection method: clinical testing. Allele origin: germline.
Comment: The p.H36Q variant (also known as c.108C>G), located in coding exon 1 of the BARD1 gene, results from a C to G substitution at nucleotide position 108. The histidine at codon 36 is replaced by glutamine, an amino acid with highly similar properties. This amino acid position is well conserved in available vertebrate species. In addition, this alteration is predicted to be tolerated by in silico analysis. Since supporting evidence is limited at this time, the clinical significance of this alteration remains unclear.

NM_000465.4(BARD1):c.108C>G (p.His36Gln)

Gene: BARD1 (BRCA1 associated RING domain 1; minus strand). Cytogenetic location: 2q35.
Variant type: single nucleotide variant.
Coding change: c.108C>G on transcript NM_000465.4 (MANE Select); coding-DNA position 108, C replaced by G.
Protein change: p.His36Gln; replaces histidine 36 with glutamine.
Molecular consequence: missense variant. On other transcripts: non-coding transcript variant (3).
Genome position (GRCh38, 1-based): chr2:214,809,462, G>C on the plus strand (C>G on the coding strand, the complement: BARD1 is on the minus strand). VCF-style: chr2-214809462-G-C. GRCh37 (hg19) VCF-style: chr2-215674186-G-C.
Other names: c.108C>G, p.His36Gln (NM_001282543.2, NM_001282545.2, NM_001282548.2 and 1 more transcripts); short protein forms H36Q.
Identifiers: ClinVar variation 822136 (VCV000822136.4), dbSNP rs1445402241, ClinGen allele CA350464996.
Genomic context (GRCh38, chr2:214,809,462, plus strand): 5'-CCGTCTTTACCAACGCGAGCAGCGCAGCAGCTTCTCCAGGCGGTCGAGCGCGGCGCGACT[G>C]TGGGCCCAGGCACCGCGACCATCCGGTTCCATGGCGGGCGCGGAACGAGGCTCGTTCCCG-3'
Protein context (NP_000456.2, residues 26-46): MEPDGRGAWA[His36Gln]SRAALDRLEK